The following is an entry in ClinVar:

ClinVar aggregate classification (germline): Uncertain significance. Review status: criteria provided, single submitter (1 of 4 stars). 2 submissions from 2 submitters: Uncertain significance (1). 1 of the submissions does not count toward it. Last evaluated 2022-06-27.

Conditions:
Renal carnitine transport defect (CDSP). Also called: Systemic primary carnitine deficiency disease; Primary carnitine deficiency; CARNITINE DEFICIENCY, SYSTEMIC, DUE TO DEFECT IN RENAL REABSORPTION OF CARNITINE; CARNITINE TRANSPORTER, PLASMA-MEMBRANE, DEFICIENCY OF; CARNITINE UPTAKE DEFECT; Carnitine transporter deficiency. Identifiers: Orphanet 158, MedGen C0342788, MONDO:0008919, OMIM 212140.

Allele frequency attached by ClinVar (database versions not stated): TOPMed below 0.00001; gnomAD 0.00001; gnomAD exomes 0.00001.
gnomAD v4.1: 12 of 1,612,148 alleles (0.00074%); highest among the groups gnomAD compares: South Asian, 0.0022%; no homozygotes.

Submissions (2):

Labcorp Genetics (formerly Invitae), Labcorp
Classification: Uncertain significance for Renal carnitine transport defect. Last evaluated: 2022-06-27. Review status: criteria provided, single submitter. Criteria: Invitae Variant Classification Sherloc (09022015). Collection method: clinical testing. Allele origin: germline.
Comment: This sequence change replaces isoleucine, which is neutral and non-polar, with valine, which is neutral and non-polar, at codon 128 of the SLC22A5 protein (p.Ile128Val). This variant is not present in population databases (gnomAD no frequency). This variant has not been reported in the literature in individuals affected with SLC22A5-related conditions. ClinVar contains an entry for this variant (Variation ID: 857223). Advanced modeling of protein sequence and biophysical properties (such as structural, functional, and spatial information, amino acid conservation, physicochemical variation, residue mobility, and thermodynamic stability) performed at Invitae indicates that this missense variant is not expected to disrupt SLC22A5 protein function. In summary, the available evidence is currently insufficient to determine the role of this variant in disease. Therefore, it has been classified as a Variant of Uncertain Significance.

Natera, Inc.
Classification: Uncertain significance for Primary systemic carnitine deficiency. Last evaluated: 2020-09-16. Review status: no assertion criteria provided. Collection method: clinical testing. Allele origin: germline. Not counted in ClinVar's aggregate classification.

NM_003060.4(SLC22A5):c.382A>G (p.Ile128Val)

Gene: SLC22A5 (solute carrier family 22 member 5; plus strand). Cytogenetic location: 5q31.1.
Variant type: single nucleotide variant.
Coding change: c.382A>G on transcript NM_003060.4 (MANE Select); coding-DNA position 382, A replaced by G.
Protein change: p.Ile128Val; replaces isoleucine 128 with valine.
Molecular consequence: missense variant.
Genome position (GRCh38, 1-based): chr5:132,370,354, A>G. VCF-style: chr5-132370354-A-G. GRCh37 (hg19) VCF-style: chr5-131706046-A-G.
Other names: c.382A>G, p.Ile128Val (NM_001308122.2); short protein forms I128V.
Identifiers: ClinVar variation 857223 (VCV000857223.8), dbSNP rs772405276, ClinGen allele CA127196771.
Genomic context (GRCh38, chr5:132,370,354, plus strand): 5'-CTGGAGCAGGAGAGCTGTCTGGATGGCTGGGAGTTCAGTCAGGACGTCTACCTGTCCACC[A>G]TTGTGACCGAGGTGGGTGCCGGCCCCTGCTGGGGCTGAGACCAGGGCTCGGAGGACCTGT-3'
Protein context (NP_003051.1, residues 118-138): EFSQDVYLST[Ile128Val]VTEWNLVCED